The following is an entry in ClinVar:

ClinVar aggregate classification (germline): Uncertain significance (1 of 4 stars; one submission).

Conditions:
Aniridia 1 (AN1). Identifiers: Orphanet 250923, MedGen C0344542, MONDO:0024507, OMIM 106210.
Irido-corneo-trabecular dysgenesis (ASGD5). Also called: ANTERIOR SEGMENT DYSGENESIS 5. Identifiers: Orphanet 708, MedGen C0344559, MONDO:0011414, OMIM 604229, HP:0000659.

Allele frequency attached by ClinVar (database versions not stated): gnomAD exomes below 0.00001.
gnomAD v4.1: 1 of 1,614,200 alleles (0.000062%); highest among the groups gnomAD compares: Admixed American, 0.0017%; no homozygotes.

Submission:

Labcorp Genetics (formerly Invitae), Labcorp
Classification: Uncertain significance for Aniridia 1; Irido-corneo-trabecular dysgenesis. Last evaluated: 2023-04-28. Review status: criteria provided, single submitter. Criteria: Invitae Variant Classification Sherloc (09022015). Collection method: clinical testing. Allele origin: germline.
Comment: This variant has not been reported in the literature in individuals affected with PAX6-related conditions. In summary, the available evidence is currently insufficient to determine the role of this variant in disease. Therefore, it has been classified as a Variant of Uncertain Significance. Advanced modeling of protein sequence and biophysical properties (such as structural, functional, and spatial information, amino acid conservation, physicochemical variation, residue mobility, and thermodynamic stability) performed at Invitae indicates that this missense variant is not expected to disrupt PAX6 protein function. ClinVar contains an entry for this variant (Variation ID: 1971269). This variant is present in population databases (no rsID available, gnomAD 0.003%). This sequence change replaces glycine, which is neutral and non-polar, with aspartic acid, which is acidic and polar, at codon 141 of the PAX6 protein (p.Gly141Asp).

NM_001368894.2(PAX6):c.464G>A (p.Gly155Asp)

Gene: PAX6 (paired box 6; minus strand). Cytogenetic location: 11p13.
Variant type: single nucleotide variant.
Coding change: c.464G>A on transcript NM_001368894.2 (MANE Select); coding-DNA position 464, G replaced by A.
Protein change: p.Gly155Asp; replaces glycine 155 with aspartic acid.
Molecular consequence: missense variant. On other transcripts: non-coding transcript variant (2).
Genome position (GRCh38, 1-based): chr11:31,800,792, C>T on the plus strand (G>A on the coding strand, the complement: PAX6 is on the minus strand). VCF-style: chr11-31800792-C-T. GRCh37 (hg19) VCF-style: chr11-31822340-C-T.
Other names: c.422G>A, p.Gly141Asp (NM_000280.6, NM_001127612.3, NM_001258464.2 and 10 more transcripts); c.464G>A, p.Gly155Asp (NM_001258462.3, NM_001258463.2, NM_001310158.2 and 6 more transcripts); c.14G>A, p.Gly5Asp (NM_001310160.2, NM_001310161.3, NM_001368899.2 and 11 more transcripts); c.665G>A, p.Gly222Asp (NM_001368910.2); c.467G>A, p.Gly156Asp (NM_001368911.2); c.539G>A, p.Gly180Asp (NM_001368918.2, NM_001368919.2); c.497G>A, p.Gly166Asp (NM_001368920.2); c.263G>A, p.Gly88Asp (NM_001368921.2, NM_001368922.2, NM_001368923.2 and 4 more transcripts); and 1 more; short protein forms G166D, G222D, G155D, G5D, G141D, G156D, G74D, G88D.
Identifiers: ClinVar variation 1971269 (VCV001971269.5), dbSNP rs1297422442, ClinGen allele CA379958229.
Genomic context (GRCh38, chr11:31,800,792, plus strand): 5'-CCAGGGCGGGTGCCCCAGCTTCCGGTCTGCCCGTTCAACATCCTTAGTTTATCATACATG[C>T]CGTCTGCGCCCATCTGTTGCTTTTCGCTAGCCAGGTTGCGAAGAACTCTGTTTATTGATG-3'
Protein context (NP_001355823.1, residues 145-165): ASEKQQMGAD[Gly155Asp]MYDKLRMLNG